The following is an entry in ClinVar:

ClinVar aggregate classification (germline): Uncertain significance. Review status: criteria provided, multiple submitters, no conflicts (2 of 4 stars). 2 submissions from 2 submitters: Uncertain significance (2). Last evaluated 2023-07-12.

Conditions:
Primary ciliary dyskinesia. Also called: Ciliary dyskinesia. Identifiers: Orphanet 244, MedGen C0008780, MONDO:0016575, HP:0012265.

Allele frequency attached by ClinVar (database versions not stated): gnomAD exomes below 0.00001.
gnomAD v4.1: 1 of 1,614,190 alleles (0.000062%); highest among the groups gnomAD compares: Non-Finnish European, 0.000085%; no homozygotes.

Submissions (2):

Women's Health and Genetics/Laboratory Corporation of America, LabCorp
Classification: Uncertain significance. Last evaluated: 2023-07-12. Review status: criteria provided, single submitter. Criteria: LabCorp Variant Classification Summary - May 2015. Collection method: clinical testing. Allele origin: germline.
Comment: Variant summary: DNAH5 c.11308A>G (p.Ser3770Gly) results in a non-conservative amino acid change located in the Dynein heavy chain, ATP-binding dynein motor region (IPR035706) of the encoded protein sequence. Four of five in-silico tools predict a damaging effect of the variant on protein function. The variant was absent in 251446 control chromosomes. The available data on variant occurrences in the general population are insufficient to allow any conclusion about variant significance. c.11308A>G has been reported in the literature in at least one compound heterozygous individual affected with suspected Primary ciliary dyskinesia (example: Kim_2014). These data do not allow any conclusion about variant significance. To our knowledge, no experimental evidence demonstrating an impact on protein function has been reported. The following publication has been ascertained in the context of this evaluation (PMID: 24498942). One submitter has cited clinical-significance assessments for this variant to ClinVar after 2014 and has classified the variant as uncertain significance. Based on the evidence outlined above, the variant was classified as uncertain significance.

Labcorp Genetics (formerly Invitae), Labcorp
Classification: Uncertain significance for Primary ciliary dyskinesia. Last evaluated: 2021-08-31. Review status: criteria provided, single submitter. Criteria: Invitae Variant Classification Sherloc (09022015). Collection method: clinical testing. Allele origin: germline.

Literature cited by the submitters: PubMed 24498942 (cited by Women's Health and Genetics/Laboratory Corporation of America, LabCorp).

NM_001369.3(DNAH5):c.11308A>G (p.Ser3770Gly)

Genes: DNAH5 (dynein axonemal heavy chain 5; minus strand), LOC107457585 (meiotic recombination hotspot J; plus strand). Cytogenetic location: 5p15.2.
Variant type: single nucleotide variant.
Coding change: c.11308A>G on transcript NM_001369.3 (MANE Select); coding-DNA position 11308, A replaced by G.
Protein change: p.Ser3770Gly; replaces serine 3770 with glycine.
Molecular consequence: missense variant.
Genome position (GRCh38, 1-based): chr5:13,737,399, T>C on the plus strand (A>G on the coding strand, the complement: DNAH5 is on the minus strand). VCF-style: chr5-13737399-T-C. GRCh37 (hg19) VCF-style: chr5-13737508-T-C.
Other names: short protein forms S3770G.
Identifiers: ClinVar variation 960165 (VCV000960165.6), dbSNP rs1747677646, ClinGen allele CA359227990.